The following is an entry in ClinVar:

NM_000258.3(MYL3):c.280C>T (p.Arg94Cys)

Gene: MYL3 (myosin light chain 3; minus strand). Cytogenetic location: 3p21.31.
Variant type: single nucleotide variant.
Coding change: c.280C>T on transcript NM_000258.3 (MANE Select); coding-DNA position 280, C replaced by T.
Protein change: p.Arg94Cys; replaces arginine 94 with cysteine.
Molecular consequence: missense variant.
Genome position (GRCh38, 1-based): chr3:46,860,703, G>A on the plus strand (C>T on the coding strand, the complement: MYL3 is on the minus strand). VCF-style: chr3-46860703-G-A. GRCh37 (hg19) VCF-style: chr3-46902193-G-A.
Other names: p.R94C:CGT>TGT; short protein forms R94C.
Identifiers: ClinVar variation 181448 (VCV000181448.22), dbSNP rs730880961, ClinGen allele CA013710.

ClinVar aggregate classification (germline): Uncertain significance. Review status: criteria provided, multiple submitters, no conflicts (2 of 4 stars). 8 submissions from 8 submitters: Uncertain significance (7). 1 of the submissions does not count toward it. Last evaluated 2025-11-03.

Conditions:
Cardiovascular phenotype. Identifiers: MedGen CN230736.
Cardiomyopathy (CMYO). Also called: Cardiomyopathies. Identifiers: Orphanet 167848, MedGen C0878544, MONDO:0004994, HP:0001638. Inheritance: Various modes of inheritance.
Hypertrophic cardiomyopathy. Also called: HYPERTROPHIC MYOCARDIOPATHY. Identifiers: Orphanet 217569, MedGen C0007194, MeSH D002312, MONDO:0005045, HP:0001639.

Allele frequency attached by ClinVar (database versions not stated): ExAC 0.00001; gnomAD 0.00001; gnomAD exomes 0.00002; TOPMed 0.00002.
gnomAD v4.1: 35 of 1,613,940 alleles (0.0022%); highest among the groups gnomAD compares: Admixed American, 0.0067%; no homozygotes.

Submissions (8):

Labcorp Genetics (formerly Invitae), Labcorp
Classification: Uncertain significance for Hypertrophic cardiomyopathy. Last evaluated: 2025-11-03. Review status: criteria provided, single submitter. Criteria: Invitae Variant Classification Sherloc (09022015). Collection method: clinical testing. Allele origin: germline.
Comment: This sequence change replaces arginine, which is basic and polar, with cysteine, which is neutral and slightly polar, at codon 94 of the MYL3 protein (p.Arg94Cys). This variant is present in population databases (rs730880961, gnomAD 0.01%). This missense change has been observed in individuals with cardiomyopathy and/or hypertrophic cardiomyopathy (PMID: 32009526; internal data). ClinVar contains an entry for this variant (Variation ID: 181448). An algorithm developed to predict the effect of missense changes on protein structure and function (PolyPhen-2) suggests that this variant is likely to be disruptive. This variant disrupts the p.Arg94 amino acid residue in MYL3. Other variant(s) that disrupt this residue have been determined to be pathogenic (PMID: 18409188, 23283745, 26443374, 27532257). This suggests that this residue is clinically significant, and that variants that disrupt this residue are likely to be disease-causing. In summary, the available evidence is currently insufficient to determine the role of this variant in disease. Therefore, it has been classified as a Variant of Uncertain Significance.

Molecular Diagnostic Laboratory for Inherited Cardiovascular Disease, Montreal Heart Institute
Classification: Uncertain significance for Cardiovascular phenotype. Last evaluated: 2025-07-24. Review status: criteria provided, single submitter. Criteria: ACMG Guidelines, 2015. Collection method: clinical testing. Allele origin: germline. Affected: yes.
Comment: PM2, PM5

GeneDx
Classification: Uncertain significance. Last evaluated: 2025-04-01. Review status: criteria provided, single submitter. Criteria: GeneDx Variant Classification Process June 2021. Collection method: clinical testing. Allele origin: germline. Affected: yes.
Comment: Identified in a patient with cardiomyopathy who harbored another cardiogenetic variant (PMID: 32009526); In silico analysis supports that this missense variant has a deleterious effect on protein structure/function; This variant is associated with the following publications: (PMID: 32009526)

Ambry Genetics
Classification: Uncertain significance for Cardiovascular phenotype. Last evaluated: 2024-09-27. Review status: criteria provided, single submitter. Criteria: Ambry Variant Classification Scheme 2023. Collection method: clinical testing. Allele origin: germline.
Comment: The p.R94C variant (also known as c.280C>T), located in coding exon 3 of the MYL3 gene, results from a C to T substitution at nucleotide position 280. The arginine at codon 94 is replaced by cysteine, an amino acid with highly dissimilar properties. This variant has been observed in at least one individual with a personal and/or family history that is consistent with hypertrophic cardiomyopathy (HCM) (Ambry internal data). Another alteration at the same codon, p.R94H (c.281G>A), has been described in individuals and families with hypertrophic cardiomyopathy (Fokstuen S et al. Hum Mutat, 2008 Jun;29:879-85; Nomura A et al. J Cardiol, 2016 Feb;67:133-9; Walsh R et al. Genet Med, 2017 02;19:192-203). This amino acid position is not well conserved in available vertebrate species. In addition, the in silico prediction for this alteration is inconclusive. Since supporting evidence is limited at this time, the clinical significance of this alteration remains unclear.

All of Us Research Program, National Institutes of Health
Classification: Uncertain significance for Hypertrophic cardiomyopathy. Last evaluated: 2024-05-17. Review status: criteria provided, single submitter. Criteria: ACMG Guidelines, 2015. Collection method: clinical testing. Allele origin: germline. Inheritance: Autosomal dominant inheritance. Observed: 8 variant alleles, 8 heterozygotes.
Comment: This missense variant replaces arginine with cysteine at codon 94 of the MYL3 protein. Computational prediction tools indicate that this variant's impact on protein structure and function is inconclusive. To our knowledge, functional studies have not been reported for this variant. This variant has been reported in one individual affected with cardiomyopathy (PMID: 32009526). This variant has been identified in 6/251306 chromosomes in the general population by the Genome Aggregation Database (gnomAD). A different variant affecting the same codon, p.Arg94His, is considered to be disease-causing (ClinVar variation ID: 31777), suggesting that arginine at this position is important for MYL3 protein function. The available evidence is insufficient to determine the role of this variant in disease conclusively. Therefore, this variant is classified as a Variant of Uncertain Significance.

This study involves interpretation of variants in research participants for the purpose of population health screening. Participant phenotype was not available at the time of variant classification. Additional details can be found in publication PMID: 35346344, PMCID: PMC8962531

Color Diagnostics, LLC DBA Color Health
Classification: Uncertain significance for Cardiomyopathy. Last evaluated: 2024-02-20. Review status: criteria provided, single submitter. Criteria: ACMG Guidelines, 2015. Collection method: clinical testing. Allele origin: germline.
Comment: This missense variant replaces arginine with cysteine at codon 94 of the MYL3 protein. Computational prediction tools indicate that this variant's impact on protein structure and function is inconclusive. To our knowledge, functional studies have not been reported for this variant. This variant has been reported in one individual affected with cardiomyopathy (PMID: 32009526). This variant has been identified in 6/251306 chromosomes in the general population by the Genome Aggregation Database (gnomAD). A different variant affecting the same codon, p.Arg94His, is considered to be disease-causing (ClinVar variation ID: 31777), suggesting that arginine at this position is important for MYL3 protein function. The available evidence is insufficient to determine the role of this variant in disease conclusively. Therefore, this variant is classified as a Variant of Uncertain Significance.

Blueprint Genetics
Classification: Uncertain significance. Last evaluated: 2023-04-19. Review status: criteria provided, single submitter. Criteria: ACMG Guidelines, 2015. Collection method: clinical testing. Allele origin: germline.

Zaffran Lab, Genetics of Cardiac Diseases Laboratory, Marseille Medical Genetics
Classification: Uncertain significance for hypertrophic cardiomyopathy. Review status: no assertion criteria provided. Collection method: research. Allele origin: unknown. Affected: yes. Not counted in ClinVar's aggregate classification.

Literature cited by the submitters: PubMed 32009526 (cited by 4 submitters); PubMed 18409188 (cited by Labcorp Genetics (formerly Invitae), Labcorp); PubMed 23283745 (cited by Labcorp Genetics (formerly Invitae), Labcorp); PubMed 26443374 (cited by Labcorp Genetics (formerly Invitae), Labcorp); PubMed 27532257 (cited by Labcorp Genetics (formerly Invitae), Labcorp).